The following is an entry in ClinVar:

NM_002890.3(RASA1):c.1585G>T (p.Val529Phe)

Genes: CCNH (cyclin H; minus strand), RASA1 (RAS p21 protein activator 1; plus strand). Cytogenetic location: 5q14.3.
Variant type: single nucleotide variant.
Coding change: c.1585G>T on transcript NM_002890.3 (MANE Select); coding-DNA position 1585, G replaced by T.
Protein change: p.Val529Phe; replaces valine 529 with phenylalanine.
Molecular consequence: missense variant. On other transcripts: intron variant (1).
Genome position (GRCh38, 1-based): chr5:87,363,479, G>T. VCF-style: chr5-87363479-G-T. GRCh37 (hg19) VCF-style: chr5-86659296-G-T.
Other names: c.1054G>T, p.Val352Phe (NM_022650.3); c.933+31565C>A (NM_001364075.2); short protein forms V352F, V529F.
Identifiers: ClinVar variation 4529587 (VCV004529587.1).

ClinVar aggregate classification (germline): Uncertain significance (1 of 4 stars; one submission).

Submission:

GeneDx
Classification: Uncertain significance. Last evaluated: 2025-05-15. Review status: criteria provided, single submitter. Criteria: GeneDx Variant Classification Process June 2021. Collection method: clinical testing. Allele origin: germline. Affected: yes.
Comment: Not observed at significant frequency in large population cohorts (gnomAD); In silico analysis suggests that this missense variant does not alter protein structure/function; Has not been previously published as pathogenic or benign to our knowledge